The following is an entry in ClinVar:

NM_032551.5(KISS1R):c.424T>G (p.Tyr142Asp)

Gene: KISS1R (KISS1 receptor; plus strand). Cytogenetic location: 19p13.3.
Variant type: single nucleotide variant.
Coding change: c.424T>G on transcript NM_032551.5 (MANE Select); coding-DNA position 424, T replaced by G.
Protein change: p.Tyr142Asp; replaces tyrosine 142 with aspartic acid.
Molecular consequence: missense variant.
Genome position (GRCh38, 1-based): chr19:919,544, T>G. VCF-style: chr19-919544-T-G. GRCh37 (hg19) VCF-style: chr19-919544-T-G.
Other names: short protein forms Y142D.
Identifiers: ClinVar variation 4992334 (VCV004992334.1).

ClinVar aggregate classification (germline): Uncertain significance (1 of 4 stars; one submission).

Conditions:
KISS1R-related disorder. Also called: KISS1R-related condition.

Submission:

PreventionGenetics, part of Exact Sciences
Classification: Uncertain significance for KISS1R-related condition. Last evaluated: 2025-10-02. Review status: criteria provided, single submitter. Criteria: ACMG Guidelines, 2015. Collection method: clinical testing. Allele origin: germline.
Comment: The KISS1R c.424T>G variant is predicted to result in the amino acid substitution p.Tyr142Asp. This variant has been reported in an individual with hypogonadotropic hypogonadism (Supplementary Table 2, Federici et al. 2022. PubMed ID: 36531499). This variant has not been reported in a large population database (gnomAD), indicating this variant is rare. At this time, the clinical significance of this variant is uncertain due to the absence of conclusive functional and genetic evidence.